The following is an entry in ClinVar:

ClinVar aggregate classification (germline): Uncertain significance (1 of 4 stars; one submission).

Conditions:
Bloom syndrome (BLM). Also called: Bloom-Torre-Machacek syndrome. Identifiers: Orphanet 125, MedGen C0005859, MONDO:0008876, OMIM 210900.

Submission:

Labcorp Genetics (formerly Invitae), Labcorp
Classification: Uncertain significance for Bloom syndrome. Last evaluated: 2019-11-09. Review status: criteria provided, single submitter. Criteria: Invitae Variant Classification Sherloc (09022015). Collection method: clinical testing. Allele origin: germline.
Comment: In summary, the available evidence is currently insufficient to determine the role of this variant in disease. Therefore, it has been classified as a Variant of Uncertain Significance. Algorithms developed to predict the effect of missense changes on protein structure and function output the following: SIFT: "Tolerated"; PolyPhen-2: "Benign"; Align-GVGD: "Class C0". The histidine amino acid residue is found in multiple mammalian species, suggesting that this missense change does not adversely affect protein function. These predictions have not been confirmed by published functional studies and their clinical significance is uncertain. This variant has not been reported in the literature in individuals with BLM-related conditions. This variant is not present in population databases (ExAC no frequency). This sequence change replaces glutamine with histidine at codon 84 of the BLM protein (p.Gln84His). The glutamine residue is weakly conserved and there is a small physicochemical difference between glutamine and histidine.

NM_000057.4(BLM):c.252A>C (p.Gln84His)

Gene: BLM (BLM RecQ like helicase; plus strand). Cytogenetic location: 15q26.1.
Variant type: single nucleotide variant.
Coding change: c.252A>C on transcript NM_000057.4 (MANE Select); coding-DNA position 252, A replaced by C.
Protein change: p.Gln84His; replaces glutamine 84 with histidine.
Molecular consequence: missense variant. On other transcripts: 5 prime UTR variant (1).
Genome position (GRCh38, 1-based): chr15:90,749,520, A>C. VCF-style: chr15-90749520-A-C. GRCh37 (hg19) VCF-style: chr15-91292750-A-C.
Other names: c.252A>C, p.Gln84His (NM_001287246.2, NM_001287247.2); c.-1040A>C (NM_001287248.2); short protein forms Q84H.
Identifiers: ClinVar variation 958723 (VCV000958723.10), dbSNP rs370062646, ClinGen allele CA393839981.
Genomic context (GRCh38, chr15:90,749,520, plus strand): 5'-TGTTAATGTTACCGAAGACTTTTCCTTCAGTGAACCTCTACCCAACACCACAAATCAGCA[A>C]AGGGTCAAGGACTTCTTTAAAAATGCTCCAGCAGGACAGGAAACACAGAGAGGTGGATCA-3'
Protein context (NP_000048.1, residues 74-94): SEPLPNTTNQ[Gln84His]RVKDFFKNAP